The following is an entry in ClinVar:

ClinVar aggregate classification (germline): Pathogenic. Review status: criteria provided, multiple submitters, no conflicts (2 of 4 stars). 4 submissions from 4 submitters: Pathogenic (4). Last evaluated 2024-11-06.

Conditions:
Infantile cortical hyperostosis. Also called: Caffey Disease; P1PK BLOOD GROUP SYSTEM, P(2) PHENOTYPE; Hyperostosis, Cortical, Congenital. Identifiers: Orphanet 1310, MedGen C0020497, MONDO:0007244, OMIM 114000.
Osteogenesis imperfecta type III (OI3). Also called: Osteogenesis imperfecta type 3; OI type 3; Osteogenesis imperfecta, progressively deforming with normal sclerae; OI type III; Progressively Deforming Osteogenesis Imperfecta. Identifiers: Orphanet 216812, Orphanet 666, MedGen C0268362, MONDO:0009804, OMIM 259420.
Osteogenesis imperfecta, perinatal lethal (OI2). Also called: Osteogenesis imperfecta, dominant perinatal lethal; OSTEOGENESIS IMPERFECTA, TYPE II; OI, TYPE II; OSTEOGENESIS IMPERFECTA CONGENITA; VROLIK TYPE OF OSTEOGENESIS IMPERFECTA; Osteogenesis imperfecta type 2. Identifiers: Orphanet 216804, MedGen C0268358, MONDO:0008147, OMIM 166210.
Osteogenesis imperfecta with normal sclerae, dominant form (OI4). Also called: Osteogenesis Imperfecta Type IV; Common Variable Osteogenesis Imperfecta with Normal Sclerae; OSTEOGENESIS IMPERFECTA, TYPE IV, WITH DENTINOGENESIS IMPERFECTA; OSTEOGENESIS IMPERFECTA WITH NORMAL SCLERAE; Osteogenesis imperfecta type 4. Identifiers: Orphanet 216820, Orphanet 666, MedGen C0268363, MONDO:0008148, OMIM 166220.
Combined osteogenesis imperfecta and Ehlers-Danlos syndrome 1. Also called: OIEDS SYNDROME 1. Identifiers: MedGen C5436842, MONDO:0030854, OMIM 619115.
Osteoporosis. Identifiers: MedGen C0029456, MONDO:0005298, OMIM 166710, HP:0000939.
Osteogenesis imperfecta type I (OI1). Also called: Lobstein disease; Classic Non-deforming Osteogenesis Imperfecta with Blue Sclerae; OI, TYPE I; OSTEOGENESIS IMPERFECTA TARDA; OSTEOGENESIS IMPERFECTA WITH BLUE SCLERAE; Osteogenesis imperfecta type 1. Identifiers: Orphanet 216796, Orphanet 666, MedGen C0023931, MONDO:0008146, OMIM 166200. Disease mechanism: loss of function.
Ehlers-Danlos syndrome, arthrochalasia type. Also called: ARTHROCHALASIS MULTIPLEX CONGENITA; EDS VII, MUTANT PROCOLLAGEN TYPE; EDS VIIA; Ehlers-Danlos syndrome, arthrochalasia type, 1; Ehlers-Danlos syndrome, arthrochalasis type. Identifiers: Orphanet 1899, Orphanet 99875, Orphanet 99876, MedGen C4551623, MONDO:0007525, OMIM 130060.
COL1A1-related disorder. Also called: COL1A1- related disease; COL1A1-related condition.

Submissions (4):

Labcorp Genetics (formerly Invitae), Labcorp
Classification: Pathogenic for Osteogenesis imperfecta type I. Last evaluated: 2024-11-06. Review status: criteria provided, single submitter. Criteria: Invitae Variant Classification Sherloc (09022015). Collection method: clinical testing. Allele origin: germline.
Comment: This sequence change creates a premature translational stop signal (p.Pro556Leufs*24) in the COL1A1 gene. It is expected to result in an absent or disrupted protein product. Loss-of-function variants in COL1A1 are known to be pathogenic (PMID: 7942841, 9295084, 9443882). This variant is not present in population databases (gnomAD no frequency). This premature translational stop signal has been observed in individual(s) with osteogenesis imperfecta types I and IV (PMID: 26627451, 28725987). ClinVar contains an entry for this variant (Variation ID: 1431093). For these reasons, this variant has been classified as Pathogenic.

3billion
Classification: Pathogenic for COL1A1-related disorder. Last evaluated: 2024-08-23. Review status: criteria provided, single submitter. Criteria: ACMG Guidelines, 2015. Collection method: clinical testing. Allele origin: germline. Affected: yes.
Comment: The variant is not observed in the gnomAD v4.0.0 dataset. Predicted Consequence/Location: Frameshift: predicted to result in a loss or disruption of normal protein function through nonsense-mediated decay (NMD) or protein truncation. Multiple pathogenic variants are reported downstream of the variant. The variant has been reported at least twice as pathogenic with clinical assertions and evidence for the classification (ClinVar ID: VCV001431093 /PMID: 28725987). Therefore, this variant is classified as Pathogenic according to the recommendation of ACMG/AMP guideline.

Fulgent Genetics
Classification: Pathogenic for Infantile cortical hyperostosis; Ehlers-Danlos syndrome, arthrochalasia type; Osteogenesis imperfecta type I; Osteogenesis imperfecta, perinatal lethal; Osteogenesis imperfecta with normal sclerae, dominant form; Osteoporosis; Osteogenesis imperfecta type III; Combined osteogenesis imperfecta and Ehlers-Danlos syndrome 1. Last evaluated: 2022-03-16. Review status: criteria provided, single submitter. Criteria: ACMG Guidelines, 2015. Collection method: clinical testing. Allele origin: unknown.

Laboratory of Medical Genetics, National & Kapodistrian University of Athens
Classification: Pathogenic for Osteogenesis imperfecta type I. Last evaluated: 2021-01-13. Review status: criteria provided, single submitter. Criteria: ACMG Guidelines, 2015. Collection method: clinical testing. Allele origin: germline. Affected: yes.
Comment: PVS1, PM2, PP3

Literature cited by the submitters: PubMed 7942841 (cited by Labcorp Genetics (formerly Invitae), Labcorp); PubMed 9295084 (cited by Labcorp Genetics (formerly Invitae), Labcorp); PubMed 9443882 (cited by Labcorp Genetics (formerly Invitae), Labcorp); PubMed 26627451 (cited by Labcorp Genetics (formerly Invitae), Labcorp); PubMed 28725987 (cited by Labcorp Genetics (formerly Invitae), Labcorp and 3billion).

NM_000088.4(COL1A1):c.1667del (p.Pro556fs)

Gene: COL1A1 (collagen type I alpha 1 chain; minus strand). Cytogenetic location: 17q21.33.
Variant type: Deletion.
Coding change: c.1667del on transcript NM_000088.4 (MANE Select); coding-DNA position 1667, one base deleted (C; older notation c.1667delC).
Protein change: p.Pro556fs; shifts the reading frame from proline 556.
Molecular consequence: frameshift variant.
Genome position (GRCh38, 1-based): chr17:50,194,131, G deleted on the plus strand (C on the coding strand, the reverse complement: COL1A1 is on the minus strand); the first of 6 consecutive G bases (chr17:50,194,131-50,194,136); deleting any one gives the same sequence. VCF-style (leftmost placement, unchanged base first): chr17-50194130-AG-A. GRCh37 (hg19) VCF-style: chr17-48271491-AG-A.
Other names: c.1667delC (NM_000088.4); short protein forms P556fs.
Identifiers: ClinVar variation 1431093 (VCV001431093.9), dbSNP rs1351742344, ClinGen allele CA500848649.